The following is an entry in ClinVar:

NM_020320.5(RARS2):c.326del (p.Gly109fs)

Gene: RARS2 (arginyl-tRNA synthetase 2, mitochondrial; minus strand). Cytogenetic location: 6q15.
Variant type: Deletion.
Coding change: c.326del on transcript NM_020320.5 (MANE Select); coding-DNA position 326, one base deleted (G; older notation c.326delG).
Protein change: p.Gly109fs; shifts the reading frame from glycine 109.
Molecular consequence: frameshift variant. On other transcripts: 5 prime UTR variant (7), non-coding transcript variant (23).
Genome position (GRCh38, 1-based): chr6:87,555,477, C deleted on the plus strand (G on the coding strand, the reverse complement: RARS2 is on the minus strand); the first of 2 consecutive C bases (chr6:87,555,477-87,555,478); deleting either gives the same sequence. VCF-style (leftmost placement, unchanged base first): chr6-87555476-GC-G. GRCh37 (hg19) VCF-style: chr6-88265194-GC-G.
Other names: c.-144del (NM_001318785.2, NM_001350509.2); c.326del, p.Gly109fs (NM_001350505.2); c.-200del (NM_001350506.2, NM_001350507.2, NM_001350510.2 and 1 more transcripts); c.-362del (NM_001350508.2); short protein forms G109fs.
Identifiers: ClinVar variation 4884252 (VCV004884252.2).
Genomic context (GRCh38, chr6:87,555,476, plus strand): 5'-AACCACAATCTTCTTCTGGGGAAGTCCAGAGAAAAGTTCACTTTTTAATCCATATTTTGA[GC>G]CATCTTCAATTACTTGTTGTAGCACTGTCTGAAAATTAAAGGACTGTAATTTAATGAACA-3'

ClinVar aggregate classification (germline): Likely pathogenic (1 of 4 stars; one submission).

Submission:

Dasa
Classification: Likely pathogenic. Last evaluated: 2026-01-16. Review status: criteria provided, single submitter. Criteria: DASA Assertion Criteria. Collection method: clinical testing. Allele origin: germline.
Comment: NM_020320.5(RARS2):c.326del (p.Gly109Alafs*6) is a frameshift variant in RARS2 predicted to alter the reading frame and introduce a premature termination codon and is predicted to result in an absent or altered protein product. Loss of function is an established disease mechanism for RARS2-associated disorders. Also, this variant is rare in population databases. Based on the currently available evidence, this variant is classified as likely pathogenic.